The following is an entry in ClinVar:

NM_014254.3(RXYLT1):c.275C>T (p.Thr92Met)

Gene: RXYLT1 (ribitol xylosyltransferase 1; plus strand). Cytogenetic location: 12q14.2.
Variant type: single nucleotide variant.
Coding change: c.275C>T on transcript NM_014254.3 (MANE Select); coding-DNA position 275, C replaced by T.
Protein change: p.Thr92Met; replaces threonine 92 with methionine.
Molecular consequence: missense variant. On other transcripts: 5 prime UTR variant (1).
Genome position (GRCh38, 1-based): chr12:63,781,124, C>T. VCF-style: chr12-63781124-C-T. GRCh37 (hg19) VCF-style: chr12-64174904-C-T.
Other names: p.Thr92Met; c.-506C>T (NM_001278237.2); short protein forms T92M.
Identifiers: ClinVar variation 260375 (VCV000260375.57), dbSNP rs73122634, ClinGen allele CA6666033.

ClinVar aggregate classification (germline): Benign/Likely benign. Review status: criteria provided, multiple submitters, no conflicts (2 of 4 stars). 6 submissions from 6 submitters: Benign (4); Likely benign (2). Last evaluated 2026-10-01.

Conditions:
RXYLT1-related disorder. Also called: RXYLT1-related condition.

Allele frequency attached by ClinVar (database versions not stated): 1000 Genomes Project 0.00180; 1000 Genomes Project 30x 0.00219; TOPMed 0.00283; ESP Exome Variant Server 0.00338; gnomAD 0.00422 and 0.00441; gnomAD exomes 0.00437 and 0.00471; ExAC 0.00471.
gnomAD v4.1: 6,951 of 1,606,588 alleles (0.43%); highest among the groups gnomAD compares: Non-Finnish European, 0.44%; 25 homozygotes.

Submissions (6):

CeGaT Center for Human Genetics Tuebingen
Classification: Likely benign. Last evaluated: 2026-10-01. Review status: criteria provided, single submitter. Criteria: CeGaT Center For Human Genetics Tuebingen Variant Classification Criteria Version 2. Collection method: clinical testing. Allele origin: germline. Affected: yes. Observed: 12 variant alleles.
Comment: RXYLT1: BP4, BS2

Labcorp Genetics (formerly Invitae), Labcorp
Classification: Benign. Last evaluated: 2026-02-04. Review status: criteria provided, single submitter. Criteria: Invitae Variant Classification Sherloc (09022015). Collection method: clinical testing. Allele origin: germline.

PreventionGenetics, part of Exact Sciences
Classification: Benign for RXYLT1-related condition. Last evaluated: 2025-07-30. Review status: criteria provided, single submitter. Criteria: ACMG Guidelines, 2015. Collection method: clinical testing. Allele origin: germline.
Comment: This variant is classified as benign based on ACMG/AMP sequence variant interpretation guidelines (Richards et al. 2015 PMID: 25741868, with internal and published modifications).

Mayo Clinic Laboratories, Mayo Clinic
Classification: Benign. Last evaluated: 2018-01-15. Review status: criteria provided, single submitter. Criteria: ACMG Guidelines, 2015. Collection method: clinical testing. Allele origin: germline. Observed: 7 variant alleles.

GeneDx
Classification: Benign. Last evaluated: 2017-04-20. Review status: criteria provided, single submitter. Criteria: GeneDx Variant Classification (06012015). Collection method: clinical testing. Allele origin: germline. Affected: yes.
Comment: This variant is considered likely benign or benign based on one or more of the following criteria: it is a conservative change, it occurs at a poorly conserved position in the protein, it is predicted to be benign by multiple in silico algorithms, and/or has population frequency not consistent with disease.

Center for Pediatric Genomic Medicine, Children's Mercy Hospital and Clinics
Classification: Likely benign. Last evaluated: 2016-11-18. Review status: criteria provided, single submitter. Criteria: ACMG Guidelines, 2015. Collection method: clinical testing. Allele origin: germline.
ClinVar note: Converted during submission from Likely Benign to Likely benign.